The following is an entry in ClinVar:

NM_153026.3(PRICKLE1):c.1640-14G>A

Gene: PRICKLE1 (prickle planar cell polarity protein 1; minus strand). Cytogenetic location: 12q12.
Variant type: single nucleotide variant.
Coding change: c.1640-14G>A on transcript NM_153026.3 (MANE Select); 14 bases into the intron before coding-DNA position 1640, G replaced by A.
Molecular consequence: intron variant.
Genome position (GRCh38, 1-based): chr12:42,460,679, C>T on the plus strand (G>A on the coding strand, the complement: PRICKLE1 is on the minus strand). VCF-style: chr12-42460679-C-T. GRCh37 (hg19) VCF-style: chr12-42854481-C-T.
Other names: c.1640-14G>A (NM_001144883.2, NM_001144882.2, NM_001144881.2).
Identifiers: ClinVar variation 1494777 (VCV001494777.8), dbSNP rs2140088689, ClinGen allele CA479392588.

ClinVar aggregate classification (germline): Uncertain significance (1 of 4 stars; one submission).

Conditions:
Epilepsy, progressive myoclonic, 1B. Also called: PME. Identifiers: Orphanet 308, MedGen C2676254, MONDO:0012904, OMIM 612437.

Submission:

Labcorp Genetics (formerly Invitae), Labcorp
Classification: Uncertain significance for Epilepsy, progressive myoclonic, 1B. Last evaluated: 2021-04-05. Review status: criteria provided, single submitter. Criteria: Invitae Variant Classification Sherloc (09022015). Collection method: clinical testing. Allele origin: germline.
Comment: In summary, the available evidence is currently insufficient to determine the role of this variant in disease. Therefore, it has been classified as a Variant of Uncertain Significance. Algorithms developed to predict the effect of sequence changes on RNA splicing suggest that this variant may create or strengthen a splice site, but this prediction has not been confirmed by published transcriptional studies. This variant has not been reported in the literature in individuals with PRICKLE1-related conditions. This variant is not present in population databases (ExAC no frequency). This sequence change falls in intron 7 of the PRICKLE1 gene. It does not directly change the encoded amino acid sequence of the PRICKLE1 protein.